The following is an entry in ClinVar:

ClinVar aggregate classification (germline): Uncertain significance. Review status: criteria provided, multiple submitters, no conflicts (2 of 4 stars). 2 submissions from 2 submitters: Uncertain significance (2). Last evaluated 2021-02-24.

Conditions:
Autoimmune lymphoproliferative syndrome type 2A (ALPS2A). Also called: CASP10-Related Autoimmune Lymphoproliferative Syndrome; AUTOIMMUNE LYMPHOPROLIFERATIVE SYNDROME, TYPE IIA; Autoimmune lymphoproliferative syndrome type 2. Identifiers: Orphanet 3261, MedGen C1858968, MONDO:0011383, OMIM 603909.

gnomAD v4.1: 1 of 1,613,126 alleles (0.000062%); highest among the groups gnomAD compares: South Asian, 0.0011%; no homozygotes.

Submissions (2):

Revvity Omics, Revvity
Classification: Uncertain significance for Autoimmune lymphoproliferative syndrome type 2A. Last evaluated: 2021-02-24. Review status: criteria provided, single submitter. Criteria: ACMG Guidelines, 2015. Collection method: clinical testing. Allele origin: germline.

Labcorp Genetics (formerly Invitae), Labcorp
Classification: Uncertain significance for Autoimmune lymphoproliferative syndrome type 2A. Last evaluated: 2019-09-11. Review status: criteria provided, single submitter. Criteria: Invitae Variant Classification Sherloc (09022015). Collection method: clinical testing. Allele origin: germline.
Comment: In summary, the available evidence is currently insufficient to determine the role of this variant in disease. Therefore, it has been classified as a Variant of Uncertain Significance. Algorithms developed to predict the effect of missense changes on protein structure and function are either unavailable or do not agree on the potential impact of this missense change (SIFT: "Deleterious"; PolyPhen-2: "Probably Damaging"; Align-GVGD: "Class C0"). This variant has not been reported in the literature in individuals with CASP10-related conditions. This variant is not present in population databases (ExAC no frequency). This sequence change replaces glycine with arginine at codon 403 of the CASP10 protein (p.Gly403Arg). The glycine residue is highly conserved and there is a moderate physicochemical difference between glycine and arginine.

NM_032977.4(CASP10):c.1207G>C (p.Gly403Arg)

Gene: CASP10 (caspase 10; plus strand). Cytogenetic location: 2q33.1.
Variant type: single nucleotide variant.
Coding change: c.1207G>C on transcript NM_032977.4 (MANE Select); coding-DNA position 1207, G replaced by C.
Protein change: p.Gly403Arg; replaces glycine 403 with arginine.
Molecular consequence: missense variant. On other transcripts: 3 prime UTR variant (1).
Genome position (GRCh38, 1-based): chr2:201,209,354, G>C. VCF-style: chr2-201209354-G-C. GRCh37 (hg19) VCF-style: chr2-202074077-G-C.
Other names: c.1006G>C, p.Gly336Arg (NM_001206524.2); c.1078G>C, p.Gly360Arg (NM_001206542.2, NM_001230.5); c.1207G>C, p.Gly403Arg (NM_032974.5); c.*293G>C (NM_032976.4); short protein forms G360R, G336R, G403R.
Identifiers: ClinVar variation 935213 (VCV000935213.15), dbSNP rs916343393, ClinGen allele CA350292079.